The following is an entry in ClinVar:

NM_014762.4(DHCR24):c.*944C>T

Gene: DHCR24 (24-dehydrocholesterol reductase; minus strand). Cytogenetic location: 1p32.3.
Variant type: single nucleotide variant.
Coding change: c.*944C>T on transcript NM_014762.4 (MANE Select); 944 bases downstream of the stop codon, C replaced by T.
Molecular consequence: 3 prime UTR variant.
Genome position (GRCh38, 1-based): chr1:54,851,289, G>A on the plus strand (C>T on the coding strand, the complement: DHCR24 is on the minus strand). VCF-style: chr1-54851289-G-A. GRCh37 (hg19) VCF-style: chr1-55316962-G-A.
Identifiers: ClinVar variation 297631 (VCV000297631.5), dbSNP rs79299252, ClinGen allele CA10610119.

ClinVar aggregate classification (germline): Likely benign (1 of 4 stars; one submission).

Conditions:
Desmosterolosis. Identifiers: Orphanet 35107, MedGen C1865596, MONDO:0011217, OMIM 602398.

Allele frequency attached by ClinVar (database versions not stated): TOPMed 0.00012; gnomAD 0.00013 and 0.00025; 1000 Genomes Project 30x 0.00141; 1000 Genomes Project 0.00180.

Submission:

Illumina Laboratory Services, Illumina
Classification: Likely benign for Desmosterolosis. Last evaluated: 2018-01-12. Review status: criteria provided, single submitter. Criteria: ICSL Variant Classification Criteria 13 December 2019. Collection method: clinical testing. Allele origin: germline.
Comment: This variant was observed in the ICSL laboratory as part of a predisposition screen in an ostensibly healthy population. It had not been previously curated by ICSL or reported in the Human Gene Mutation Database (HGMD: prior to June 1st, 2018), and was therefore a candidate for classification through an automated scoring system. Utilizing variant allele frequency, disease prevalence and penetrance estimates, and inheritance mode, an automated score was calculated to assess if this variant is too frequent to cause the disease. Based on the score and internal cut-off values, a variant classified as likely benign is not then subjected to further curation. The score for this variant resulted in a classification of likely benign for this disease.